The following is an entry in ClinVar:

ClinVar aggregate classification (germline): Likely pathogenic (1 of 4 stars; one submission).

Conditions:
Thrombocytopenia. Identifiers: MedGen C0040034, MeSH D013921, MONDO:0002049, HP:0001873.

Submission:

ISTH-SSC Genomics in Thrombosis and Hemostasis, KU Leuven, Center for Molecular and Vascular Biology
Classification: Likely pathogenic for Thrombocytopenia. Review status: criteria provided, single submitter. Criteria: ACMG Guidelines, 2015. Collection method: clinical testing. Allele origin: germline. Affected: yes. Observed: 1 hemizygote.
Comment: Submitted to GoldVariant by Jose María Bastida and José Rivera; Grupo Español de Alteraciones Plaquetarias Congénitas (GEAPC)

NM_000377.3(WAS):c.1416_1424del (p.His472_Met474del)

Gene: WAS (WASP actin nucleation promoting factor; plus strand). Cytogenetic location: Xp11.23.
Variant type: Deletion.
Coding change: c.1416_1424del on transcript NM_000377.3 (MANE Select); coding-DNA positions 1416 to 1424, 9 bases deleted (CGTGATGCA; older notation c.1416_1424delCGTGATGCA).
Protein change: p.His472_Met474del.
Molecular consequence: inframe deletion.
Genome position (GRCh38, 1-based): chrX:48,689,397-48,689,405, CGTGATGCA deleted; deleting any 9 consecutive bases within chrX:48,689,390-48,689,405 gives the same sequence; the c. name uses the placement nearest the transcript's 3' end. VCF-style (leftmost placement, unchanged base first): chrX-48689389-CTGATGCACG-C. GRCh37 (hg19) VCF-style: chrX-48547778-CTGATGCACG-C.
Other names: c.1409_1417delTGATGCACG (NM_000377.3).
Identifiers: ClinVar variation 1703822 (VCV001703822.2), dbSNP rs2519289013, ClinGen allele CA2580101080.